The following is an entry in ClinVar:

NM_000179.3(MSH6):c.3173-12C>T

Gene: MSH6 (mutS homolog 6; plus strand). Cytogenetic location: 2p16.3.
Variant type: single nucleotide variant.
Coding change: c.3173-12C>T on transcript NM_000179.3 (MANE Select); 12 bases into the intron before coding-DNA position 3173, C replaced by T.
Molecular consequence: intron variant.
Genome position (GRCh38, 1-based): chr2:47,803,408, C>T. VCF-style: chr2-47803408-C-T. GRCh37 (hg19) VCF-style: chr2-48030547-C-T.
Other names: c.2267-12C>T (NM_001281493.2, NM_001281494.2); c.2783-12C>T (NM_001281492.2).
Identifiers: ClinVar variation 372051 (VCV000372051.16), dbSNP rs1057517629, ClinGen allele CA16042060.
Genomic context (GRCh38, chr2:47,803,408, plus strand): 5'-AGACCTATAAAACACTTAGGCTGATAAAACCCCCAAACGATGAAGCCTCACTTTTACCCT[C>T]TCTTTTAACAGATGTTTTACTGTGCCTGGCTAACTATAGTCGAGGGGGTGATGGTCCTAT-3'

ClinVar aggregate classification (germline): Conflicting classifications of pathogenicity. Review status: criteria provided, conflicting classifications (1 of 4 stars). 7 submissions from 7 submitters: Uncertain significance (1); Likely benign (5). 1 of the submissions does not count toward it. Last evaluated 2025-08-22.

Conditions:
Hereditary nonpolyposis colorectal neoplasms. Identifiers: MedGen C0009405, MeSH D003123.
Hereditary cancer-predisposing syndrome. Also called: Tumor predisposition; Hereditary neoplastic syndrome; Neoplastic Syndromes, Hereditary; Hereditary Cancer Syndrome. Identifiers: Orphanet 140162, MedGen C0027672, MeSH D009386, MONDO:0015356.
Lynch syndrome. Identifiers: Orphanet 144, MedGen C4552100, MONDO:0005835. Disease mechanism: loss of function.
Lynch syndrome 5 (LYNCH5). Also called: Colorectal cancer, hereditary nonpolyposis, type 5; Hereditary non-polyposis colorectal cancer, type 5. Identifiers: Orphanet 144, MedGen C1833477, MONDO:0013710, OMIM 614350. Disease mechanism: loss of function.

gnomAD v4.1: 8 of 1,614,044 alleles (0.0005%); highest among the groups gnomAD compares: Non-Finnish European, 0.00059%; no homozygotes.

Submissions (7):

Labcorp Genetics (formerly Invitae), Labcorp
Classification: Likely benign for Hereditary nonpolyposis colorectal neoplasms. Last evaluated: 2025-08-22. Review status: criteria provided, single submitter. Criteria: Invitae Variant Classification Sherloc (09022015). Collection method: clinical testing. Allele origin: germline.

Myriad Genetics, Inc.
Classification: Likely benign for Lynch syndrome 5. Last evaluated: 2023-03-27. Review status: criteria provided, single submitter. Criteria: Myriad Autosomal Dominant, Autosomal Recessive and X-Linked Classification Criteria (2023). Collection method: clinical testing. Allele origin: unknown.
Comment: This variant is considered likely benign. This variant is intronic and is not expected to impact mRNA splicing.

Sema4
Classification: Uncertain significance for Hereditary cancer-predisposing syndrome. Last evaluated: 2021-05-14. Review status: criteria provided, single submitter. Criteria: Sema4 Curation Guidelines. Collection method: curation. Allele origin: germline.
Comment: The MSH6 c.3173-12C>T variant has not been reported in the literature to our knowledge. It was not observed in the large and broad cohorts of the Genome Aggregation Database (PMID: 32461654). The variant has been reported in ClinVar (Variation ID 372051). In silico tools suggest that the variant does not impact splicing, though these predictions have not been confirmed by functional studies. The evidence is insufficient to meet ACMG/AMP criteria for classifying the variant as benign or pathogenic. Thus, the clinical significance of this variant is currently uncertain.

Department of Pathology and Laboratory Medicine, Sinai Health System
Classification: Likely benign for Lynch syndrome. Last evaluated: 2021-03-08. Review status: criteria provided, single submitter. Criteria: ACMG Guidelines, 2015. Collection method: clinical testing. Allele origin: germline. Affected: yes.

GeneDx
Classification: Likely benign. Last evaluated: 2017-09-07. Review status: criteria provided, single submitter. Criteria: GeneDx Variant Classification (06012015). Collection method: clinical testing. Allele origin: germline. Affected: yes.
Comment: This variant is considered likely benign or benign based on one or more of the following criteria: it is a conservative change, it occurs at a poorly conserved position in the protein, it is predicted to be benign by multiple in silico algorithms, and/or has population frequency not consistent with disease.

Color Diagnostics, LLC DBA Color Health
Classification: Likely benign for Hereditary cancer-predisposing syndrome. Last evaluated: 2017-06-06. Review status: criteria provided, single submitter. Criteria: ACMG Guidelines, 2015. Collection method: clinical testing. Allele origin: germline.

Counsyl
Classification: Likely benign for Lynch syndrome 5. Last evaluated: 2016-10-31. Review status: no assertion criteria provided. Collection method: clinical testing. Allele origin: unknown. Not counted in ClinVar's aggregate classification.